The following is an entry in ClinVar:

NM_000551.4(VHL):c.374A>C (p.His125Pro)

Genes: VHL (von Hippel-Lindau tumor suppressor; plus strand), LOC107303340 (3p25 von Hippel-Lindau tumor suppressor, E3 ubiquitin protein ligase Alu-mediated recombination region; plus strand). Cytogenetic location: 3p25.3.
Variant type: single nucleotide variant.
Coding change: c.374A>C on transcript NM_000551.4 (MANE Select); coding-DNA position 374, A replaced by C.
Protein change: p.His125Pro; replaces histidine 125 with proline.
Molecular consequence: missense variant. On other transcripts: intron variant (2).
Genome position (GRCh38, 1-based): chr3:10,146,547, A>C. VCF-style: chr3-10146547-A-C. GRCh37 (hg19) VCF-style: chr3-10188231-A-C.
Other names: c.*18-3240A>C (NM_001354723.2); c.341-3240A>C (NM_198156.3); short protein forms H125P.
Identifiers: ClinVar variation 223201 (VCV000223201.2), dbSNP rs869025643, ClinGen allele CA357127.

ClinVar aggregate classification (germline): Likely pathogenic. Review status: criteria provided, single submitter (1 of 4 stars). 2 submissions from 2 submitters: Likely pathogenic (1). 1 of the submissions does not count toward it. Last evaluated 2024-05-01.

Conditions:
Hereditary cancer-predisposing syndrome. Also called: Tumor predisposition; Hereditary neoplastic syndrome; Neoplastic Syndromes, Hereditary; Hereditary Cancer Syndrome. Identifiers: Orphanet 140162, MedGen C0027672, MeSH D009386, MONDO:0015356.
Von Hippel-Lindau syndrome (VHLS). Also called: Von Hippel-Lindau; von Hippel–Lindau syndrome; VHL syndrome. Identifiers: Orphanet 892, MedGen C0019562, MONDO:0008667, OMIM 193300. Disease mechanism: loss of function.

Submissions (2):

Ambry Genetics
Classification: Likely pathogenic for Hereditary cancer-predisposing syndrome. Last evaluated: 2024-05-01. Review status: criteria provided, single submitter. Criteria: Ambry Variant Classification Scheme 2023. Collection method: clinical testing. Allele origin: germline.
Comment: The p.H125P variant (also known as c.374A>C), located in coding exon 2 of the VHL gene, results from an A to C substitution at nucleotide position 374. The histidine at codon 125 is replaced by proline, an amino acid with similar properties. This variant has been observed in multiple individuals with a personal and/or family history that is consistent with von Hippel-Lindau syndrome (Vicha A et al. Pathol Oncol Res, 2011 Dec;17:801-8; Zhang B et al. Asian Pac J Cancer Prev, 2015;16:1977-80; Papathomas TG et al. Mod Pathol, 2015 Jun;28:807-21; Vosecka T et al. Neoplasma, 2017;64:278-282; Krauss T et al. Endocr Relat Cancer, 2018 Sep;25:783-793; Fagundes GFC et al. J Endocr Soc, 2019 Sep;3:1682-1692; Ambry internal data). This amino acid position is poorly conserved in available vertebrate species. In addition, this alteration is predicted to be deleterious by in silico analysis. Based on the majority of available evidence to date, this variant is likely to be pathogenic.

Genomic Diagnostic Laboratory, Division of Genomic Diagnostics, Children's Hospital of Philadelphia
Classification: Pathogenic for Von Hippel-Lindau syndrome. Last evaluated: 2016-02-26. Review status: no assertion criteria provided. Collection method: clinical testing. Allele origin: germline. Affected: yes. Observed: 5 variant alleles. Not counted in ClinVar's aggregate classification.

Literature cited by the submitters: PubMed 21461997 (cited by Ambry Genetics); PubMed 25720320 (cited by Ambry Genetics); PubMed 25773797 (cited by Ambry Genetics); PubMed 28043156 (cited by Ambry Genetics); PubMed 29748190 (cited by Ambry Genetics); PubMed 31528828 (cited by Ambry Genetics).